The following is an entry in ClinVar:

ClinVar aggregate classification (germline): Uncertain significance (1 of 4 stars; one submission).

Submission:

Women's Health and Genetics/Laboratory Corporation of America, LabCorp
Classification: Uncertain significance. Last evaluated: 2024-03-07. Review status: criteria provided, single submitter. Criteria: LabCorp Variant Classification Summary - May 2015. Collection method: clinical testing. Allele origin: germline.
Comment: Variant summary: ARID2 c.5227G>A (p.Ala1743Thr) results in a non-conservative amino acid change in the encoded protein sequence. Three of four in-silico tools predict a damaging effect of the variant on protein function. The variant was absent in 251308 control chromosomes. The available data on variant occurrences in the general population are insufficient to allow any conclusion about variant significance. To our knowledge, no occurrence of c.5227G>A in individuals affected with Coffin-Siris Syndrome 6 and no experimental evidence demonstrating its impact on protein function have been reported. No submitters have cited clinical-significance assessments for this variant to ClinVar. Based on the evidence outlined above, the variant was classified as uncertain significance.

NM_152641.4(ARID2):c.5227G>A (p.Ala1743Thr)

Gene: ARID2 (AT-rich interaction domain 2; plus strand). Cytogenetic location: 12q12.
Variant type: single nucleotide variant.
Coding change: c.5227G>A on transcript NM_152641.4 (MANE Select); coding-DNA position 5227, G replaced by A.
Protein change: p.Ala1743Thr; replaces alanine 1743 with threonine.
Molecular consequence: missense variant.
Genome position (GRCh38, 1-based): chr12:45,893,499, G>A. VCF-style: chr12-45893499-G-A. GRCh37 (hg19) VCF-style: chr12-46287282-G-A.
Other names: c.5227G>A, p.Ala1743Thr (NM_001347839.2); short protein forms A1743T.
Identifiers: ClinVar variation 3233591 (VCV003233591.2), dbSNP rs2136462374, ClinGen allele CA384498799.
Genomic context (GRCh38, chr12:45,893,499, plus strand): 5'-ACAAGCTCAACTCCTAGAGCACAAAAGGCCATTGTGAATCATCCCAGTGCTGCACTTATG[G>A]CTCTGAGGAGAGGATCAAGAAACCTTGTCTTTCGAGATTTTACAGTAAGCATGCCTTGAA-3'
Protein context (NP_689854.2, residues 1733-1753): IVNHPSAALM[Ala1743Thr]LRRGSRNLVF